The following is an entry in ClinVar:

ClinVar aggregate classification (germline): Uncertain significance. Review status: criteria provided, multiple submitters, no conflicts (2 of 4 stars). 5 submissions from 5 submitters: Uncertain significance (5). Last evaluated 2025-02-19.

Conditions:
Familial adenomatous polyposis 3. Also called: NTHL1-associated polyposis; NTHL1 Tumor Syndrome; NTHL1-Related Adenomatous Polyposis and Colorectal Cancer; NTHL1-related attenuated familial adenomatous polyposis. Identifiers: Orphanet 220460, Orphanet 454840, MedGen C4225157, MONDO:0014630, OMIM 616415.
Hereditary cancer-predisposing syndrome. Also called: Tumor predisposition; Hereditary Cancer Syndrome; Hereditary neoplastic syndrome; Neoplastic Syndromes, Hereditary. Identifiers: Orphanet 140162, MedGen C0027672, MeSH D009386, MONDO:0015356.

Allele frequency attached by ClinVar (database versions not stated): gnomAD exomes below 0.00001 and 0.00001; gnomAD 0.00001; TOPMed 0.00001; ExAC 0.00002.

Submissions (5):

Ambry Genetics
Classification: Uncertain significance for Hereditary cancer-predisposing syndrome. Last evaluated: 2025-02-19. Review status: criteria provided, single submitter. Criteria: Ambry Variant Classification Scheme 2023. Collection method: clinical testing. Allele origin: germline.
Comment: The p.A225T variant (also known as c.673G>A), located in coding exon 4 of the NTHL1 gene, results from a G to A substitution at nucleotide position 673. The alanine at codon 225 is replaced by threonine, an amino acid with similar properties. This amino acid position is highly conserved in available vertebrate species. In addition, the in silico prediction for this alteration is inconclusive. Since supporting evidence is limited at this time, the clinical significance of this alteration remains unclear.

Labcorp Genetics (formerly Invitae), Labcorp
Classification: Uncertain significance. Last evaluated: 2024-11-28. Review status: criteria provided, single submitter. Criteria: Invitae Variant Classification Sherloc (09022015). Collection method: clinical testing. Allele origin: germline.
Comment: This sequence change replaces alanine, which is neutral and non-polar, with threonine, which is neutral and polar, at codon 225 of the NTHL1 protein (p.Ala225Thr). This variant is present in population databases (rs758319892, gnomAD 0.02%). This variant has not been reported in the literature in individuals affected with NTHL1-related conditions. ClinVar contains an entry for this variant (Variation ID: 826591). An algorithm developed to predict the effect of missense changes on protein structure and function (PolyPhen-2) suggests that this variant¬†is likely to be tolerated. In summary, the available evidence is currently insufficient to determine the role of this variant in disease. Therefore, it has been classified as a Variant of Uncertain Significance.

Baylor Genetics
Classification: Uncertain significance for Familial adenomatous polyposis 3. Last evaluated: 2023-11-02. Review status: criteria provided, single submitter. Criteria: ACMG Guidelines, 2015. Collection method: clinical testing. Allele origin: unknown.

Sema4
Classification: Uncertain significance for Hereditary cancer-predisposing syndrome. Last evaluated: 2022-02-05. Review status: criteria provided, single submitter. Criteria: Sema4 Curation Guidelines. Collection method: curation. Allele origin: germline.
Comment: The NTHL1 c.673G>A (p.A225T) variant has not been reported in the literature to our knowledge. This variant was observed in 2/9986 chromosomes in the Ashkenazi Jewish population, according to the Genome Aggregation Database (PMID: 32461654). The variant has been reported in ClinVar (Variation ID: 826591). Functional studies have not been performed, and in silico predictions of the variant's effect on protein function are inconclusive. The evidence is insufficient to meet ACMG/AMP criteria for classifying the variant as benign or pathogenic. Thus, the clinical significance of this variant is currently uncertain.

Department of Pathology and Laboratory Medicine, Sinai Health System
Classification: Uncertain significance for Familial adenomatous polyposis 3. Last evaluated: 2021-07-30. Review status: criteria provided, single submitter. Criteria: ACMG Guidelines, 2015. Collection method: research. Allele origin: germline.

NM_002528.7(NTHL1):c.649G>A (p.Ala217Thr)

Gene: NTHL1 (nth like DNA glycosylase 1; minus strand). Cytogenetic location: 16p13.3.
Variant type: single nucleotide variant.
Coding change: c.649G>A on transcript NM_002528.7 (MANE Select); coding-DNA position 649, G replaced by A.
Protein change: p.Ala217Thr; replaces alanine 217 with threonine.
Molecular consequence: missense variant.
Genome position (GRCh38, 1-based): chr16:2,043,603, C>T on the plus strand (G>A on the coding strand, the complement: NTHL1 is on the minus strand). VCF-style: chr16-2043603-C-T. GRCh37 (hg19) VCF-style: chr16-2093604-C-T.
Other names: c.478G>A, p.Ala160Thr (NM_001318193.2); c.319G>A, p.Ala107Thr (NM_001318194.2); short protein forms A160T, A107T, A217T.
Identifiers: ClinVar variation 826591 (VCV000826591.11), dbSNP rs758319892, ClinGen allele CA7828183.